The following is an entry in ClinVar:

NM_002458.3(MUC5B):c.1422C>T (p.Asn474=)

Gene: MUC5B (mucin 5B, oligomeric mucus/gel-forming; plus strand). Cytogenetic location: 11p15.5.
Variant type: single nucleotide variant.
Coding change: c.1422C>T on transcript NM_002458.3 (MANE Select); coding-DNA position 1422, C replaced by T.
Protein change: p.Asn474=; no amino-acid change (asparagine 474 retained).
Molecular consequence: synonymous variant.
Genome position (GRCh38, 1-based): chr11:1,230,552, C>T. VCF-style: chr11-1230552-C-T. GRCh37 (hg19) VCF-style: chr11-1251782-C-T.
Identifiers: ClinVar variation 2641183 (VCV002641183.24), dbSNP rs765389427, ClinGen allele CA5804279.

ClinVar aggregate classification (germline): Likely benign (1 of 4 stars; one submission).

Allele frequency attached by ClinVar (database versions not stated): gnomAD exomes 0.00001; ExAC 0.00002.
gnomAD v4.1: 12 of 1,611,714 alleles (0.00074%); highest among the groups gnomAD compares: East Asian, 0.0022%; no homozygotes.

Submission:

CeGaT Center for Human Genetics Tuebingen
Classification: Likely benign. Last evaluated: 2022-03-01. Review status: criteria provided, single submitter. Criteria: CeGaT Center For Human Genetics Tuebingen Variant Classification Criteria Version 2. Collection method: clinical testing. Allele origin: germline. Affected: yes. Observed: 1 variant allele.
Comment: MUC5B: BP4, BP7